The following is an entry in ClinVar:

ClinVar aggregate classification (germline): Uncertain significance (1 of 4 stars; one submission).

Allele frequency attached by ClinVar (database versions not stated): gnomAD 0.00001; gnomAD exomes 0.00001 and 0.00002; TOPMed 0.00001; ExAC 0.00002.
gnomAD v4.1: 8 of 1,614,052 alleles (0.0005%); highest among the groups gnomAD compares: Admixed American, 0.005%; no homozygotes.

Submission:

Labcorp Genetics (formerly Invitae), Labcorp
Classification: Uncertain significance. Last evaluated: 2021-08-27. Review status: criteria provided, single submitter. Criteria: Invitae Variant Classification Sherloc (09022015). Collection method: clinical testing. Allele origin: germline.
Comment: This sequence change replaces isoleucine with valine at codon 145 of the TYR protein (p.Ile145Val). The isoleucine residue is weakly conserved and there is a small physicochemical difference between isoleucine and valine. This variant is present in population databases (rs758570611, ExAC 0.009%). This variant has not been reported in the literature in individuals affected with TYR-related conditions. Advanced modeling of protein sequence and biophysical properties (such as structural, functional, and spatial information, amino acid conservation, physicochemical variation, residue mobility, and thermodynamic stability) performed at Invitae indicates that this missense variant is not expected to disrupt TYR protein function. In summary, the available evidence is currently insufficient to determine the role of this variant in disease. Therefore, it has been classified as a Variant of Uncertain Significance.

NM_000372.5(TYR):c.433A>G (p.Ile145Val)

Gene: TYR (tyrosinase; plus strand). Cytogenetic location: 11q14.3.
Variant type: single nucleotide variant.
Coding change: c.433A>G on transcript NM_000372.5 (MANE Select); coding-DNA position 433, A replaced by G.
Protein change: p.Ile145Val; replaces isoleucine 145 with valine.
Molecular consequence: missense variant.
Genome position (GRCh38, 1-based): chr11:89,178,386, A>G. VCF-style: chr11-89178386-A-G. GRCh37 (hg19) VCF-style: chr11-88911554-A-G.
Other names: short protein forms I145V.
Identifiers: ClinVar variation 1484425 (VCV001484425.5), dbSNP rs758570611, ClinGen allele CA6221109.
Genomic context (GRCh38, chr11:89,178,386, plus strand): 5'-GATTTGAGTGCCCCAGAGAAGGACAAATTTTTTGCCTACCTCACTTTAGCAAAGCATACC[A>G]TCAGCTCAGACTATGTCATCCCCATAGGGACCTATGGCCAAATGAAAAATGGATCAACAC-3'
Protein context (NP_000363.1, residues 135-155): FAYLTLAKHT[Ile145Val]SSDYVIPIGT